The following is an entry in ClinVar:

NM_001029883.3(PCARE):c.2966C>T (p.Pro989Leu)

Gene: PCARE (photoreceptor cilium actin regulator; minus strand). Cytogenetic location: 2p23.2.
Variant type: single nucleotide variant.
Coding change: c.2966C>T on transcript NM_001029883.3 (MANE Select); coding-DNA position 2966, C replaced by T.
Protein change: p.Pro989Leu; replaces proline 989 with leucine.
Molecular consequence: missense variant.
Genome position (GRCh38, 1-based): chr2:29,071,296, G>A on the plus strand (C>T on the coding strand, the complement: PCARE is on the minus strand). VCF-style: chr2-29071296-G-A. GRCh37 (hg19) VCF-style: chr2-29294162-G-A.
Other names: short protein forms P989L.
Identifiers: ClinVar variation 1378119 (VCV001378119.8), dbSNP rs113376827, ClinGen allele CA346476062.

ClinVar aggregate classification (germline): Uncertain significance (1 of 4 stars; one submission).

Submission:

Labcorp Genetics (formerly Invitae), Labcorp
Classification: Uncertain significance. Last evaluated: 2022-07-06. Review status: criteria provided, single submitter. Criteria: Invitae Variant Classification Sherloc (09022015). Collection method: clinical testing. Allele origin: germline.
Comment: In summary, the available evidence is currently insufficient to determine the role of this variant in disease. Therefore, it has been classified as a Variant of Uncertain Significance. Algorithms developed to predict the effect of missense changes on protein structure and function output the following: SIFT: "Tolerated"; PolyPhen-2: "Benign"; Align-GVGD: "Class C0". The leucine amino acid residue is found in multiple mammalian species, which suggests that this missense change does not adversely affect protein function. ClinVar contains an entry for this variant (Variation ID: 1378119). This variant has not been reported in the literature in individuals affected with PCARE-related conditions. This variant is not present in population databases (gnomAD no frequency). This sequence change replaces proline, which is neutral and non-polar, with leucine, which is neutral and non-polar, at codon 989 of the PCARE protein (p.Pro989Leu).